The following is an entry in ClinVar:

ClinVar aggregate classification (germline): Likely pathogenic. Review status: reviewed by expert panel (3 of 4 stars). 9 submissions from 9 submitters: Likely pathogenic (1). 8 of the submissions do not count toward it. Last evaluated 2020-10-15.

Conditions:
Phenylketonuria (PKU). Also called: Phenylketonuria (PKU); FOLLING DISEASE; OLIGOPHRENIA PHENYLPYRUVICA; Phenylketonurias. Identifiers: Orphanet 716, MedGen C0031485, MONDO:0009861, OMIM 261600. Disease mechanism: loss of function.
PAH-related disorder. Also called: PAH-related condition.

Allele frequency attached by ClinVar (database versions not stated): gnomAD 0.00001; gnomAD exomes 0.00001 and 0.00002; TOPMed 0.00001; ExAC 0.00003; 1000 Genomes Project 30x 0.00016; 1000 Genomes Project 0.00020.
gnomAD v4.1: 20 of 1,613,570 alleles (0.0012%); highest among the groups gnomAD compares: South Asian, 0.0099%; no homozygotes.

Submissions (9):

ClinGen PAH Variant Curation Expert Panel
Classification: Likely pathogenic for Phenylketonuria. Last evaluated: 2020-10-15. Review status: reviewed by expert panel. Criteria: ClinGen PAH ACMG Specifications v1. Collection method: curation. Allele origin: germline. Inheritance: Autosomal recessive inheritance.
Comment: This c.463C>T (p.Arg155Cys) variant in PAH was reported in at least one patient with mild HPA detected in trans with pathogenic variant p.Gly289Arg (PMID: 27121329). A defect in the synthesis or regeneration pathways of 6R-BH4 was ruled out by analyzing urinary pterin levels as well as by measuring the dihydropteridine reductase activity. Computational evidence supports a deleterious effect. This variant is observed at an amino acid residue where two other pathogenic missense variants have also been observed. This variant is seen at an extremely low frequency in population databases. In summary, this variant meets criteria to be classified as likely pathogenic for PAH. PAH-specific ACMG/AMP criteria applied: PM5, PM3, PM2, PP4_moderate, and PP3.

Labcorp Genetics (formerly Invitae), Labcorp
Classification: Pathogenic for Phenylketonuria. Last evaluated: 2026-01-18. Review status: criteria provided, single submitter. Criteria: Invitae Variant Classification Sherloc (09022015). Collection method: clinical testing. Allele origin: germline. Not counted in ClinVar's aggregate classification.
Comment: This sequence change replaces arginine, which is basic and polar, with cysteine, which is neutral and slightly polar, at codon 155 of the PAH protein (p.Arg155Cys). This variant is present in population databases (rs539743701, gnomAD 0.006%). This missense change has been observed in individual(s) with phenylketonuria (PMID: 23514811). ClinVar contains an entry for this variant (Variation ID: 554011). Invitae Evidence Modeling of protein sequence and biophysical properties (such as structural, functional, and spatial information, amino acid conservation, physicochemical variation, residue mobility, and thermodynamic stability) indicates that this missense variant is expected to disrupt PAH protein function with a positive predictive value of 80%. This variant disrupts the p.Arg155 amino acid residue in PAH. Other variant(s) that disrupt this residue have been determined to be pathogenic (PMID: 18937047, 23932990, 24401910, 26210745, 28754886). This suggests that this residue is clinically significant, and that variants that disrupt this residue are likely to be disease-causing. For these reasons, this variant has been classified as Pathogenic.

Natera, Inc.
Classification: Pathogenic for Phenylketonuria. Last evaluated: 2025-04-01. Review status: criteria provided, single submitter. Criteria: Natera Variant Classification Schema (03/2026). Collection method: clinical testing. Allele origin: germline. Not counted in ClinVar's aggregate classification.
Comment: The c.463C>T variant in PAH is a missense variant predicted to cause substitution of arginine to cysteine at amino acid 155. This variant is rare in the general population with a frequency below the threshold expected for the associated phenotype(s). This variant has been observed in one or more individuals affected with the associated recessive disease, as either homozygous or compound heterozygous with a second variant (PMID: 23514811, 35193651, 32668217). This variant has been identified in one or more affected individual with a phenotype highly consistent with the associated gene (PMID: 35193651). A different variant at the same position has been determined to be Pathogenic or Likely Pathogenic. Computational prediction algorithms indicate this variant is likely to affect gene or protein function. Given the available evidence, this variant is classified as Pathogenic.

Blueprint Genetics
Classification: Pathogenic for PAH-related disorders. Last evaluated: 2023-10-06. Review status: criteria provided, single submitter. Criteria: ACMG Guidelines, 2015. Collection method: clinical testing. Allele origin: germline. Affected: yes. Observed: 1 variant allele. Not counted in ClinVar's aggregate classification.

Revvity Omics, Revvity
Classification: Pathogenic for Phenylketonuria. Last evaluated: 2023-06-08. Review status: criteria provided, single submitter. Criteria: ACMG Guidelines, 2015. Collection method: clinical testing. Allele origin: germline. Not counted in ClinVar's aggregate classification.

Women's Health and Genetics/Laboratory Corporation of America, LabCorp
Classification: Likely pathogenic for Phenylketonuria. Last evaluated: 2022-12-15. Review status: criteria provided, single submitter. Criteria: LabCorp Variant Classification Summary - May 2015. Collection method: clinical testing. Allele origin: germline. Not counted in ClinVar's aggregate classification.
Comment: Variant summary: PAH c.463C>T (p.Arg155Cys) results in a non-conservative amino acid change located in the Aromatic amino acid hydroxylase, C-terminal domain (IPR019774) of the encoded protein sequence. Five of five in-silico tools predict a damaging effect of the variant on protein function. The variant allele was found at a frequency of 2e-05 in 251344 control chromosomes. c.463C>T has been reported in the literature in individuals affected with Phenylalanine Hydroxylase Deficiency (Phenylketonuria; Bueno_2013, Aldamiz-Echevarria_2016, Hillert_2020). Two other variants affecting the same amino acid have been reported in association with Phenylketonuria in HGMD (R155H, R155P). Two clinical diagnostic laboratories and one expert panel have submitted clinical-significance assessments for this variant to ClinVar after 2014 without evidence for independent evaluation: two submitters classified the variant as VUS and pathogenic, respectively while the ClinGen PAH Variant Curation Expert Panel classified the variant as likely pathogenic. Based on the evidence outlined above, the variant was classified as likely pathogenic.

Fulgent Genetics
Classification: Pathogenic for Phenylketonuria. Last evaluated: 2021-09-06. Review status: criteria provided, single submitter. Criteria: ACMG Guidelines, 2015. Collection method: clinical testing. Allele origin: unknown. Not counted in ClinVar's aggregate classification.

Juno Genomics, Hangzhou Juno Genomics, Inc
Classification: Likely pathogenic for Phenylketonuria. Review status: criteria provided, single submitter. Criteria: ACMG Guidelines, 2015. Collection method: clinical testing. Allele origin: germline. Not counted in ClinVar's aggregate classification.
Comment: Absent from controls (or at extremely low frequency if recessive) in Genome Aggregation Database.;For recessive disorders, detected in trans with a pathogenic variant.;Patient's phenotype or family history is highly specific for a disease with a single genetic etiology.;Novel missense change at an amino acid residue where a different missense change determined to be pathogenic has been seen before.

Counsyl
Classification: Uncertain significance for Phenylketonuria. Last evaluated: 2017-11-14. Review status: no assertion criteria provided. Collection method: clinical testing. Allele origin: unknown. Not counted in ClinVar's aggregate classification.

Literature cited by the submitters: PubMed 27121329 (cited by ClinGen PAH Variant Curation Expert Panel and Women's Health and Genetics/Laboratory Corporation of America, LabCorp); PubMed 23514811 (cited by 4 submitters); PubMed 18937047 (cited by Labcorp Genetics (formerly Invitae), Labcorp); PubMed 23932990 (cited by Labcorp Genetics (formerly Invitae), Labcorp); PubMed 24401910 (cited by Labcorp Genetics (formerly Invitae), Labcorp); PubMed 26210745 (cited by Labcorp Genetics (formerly Invitae), Labcorp); PubMed 28754886 (cited by Labcorp Genetics (formerly Invitae), Labcorp); PubMed 35193651 (cited by Natera, Inc.); PubMed 32668217 (cited by Natera, Inc. and Women's Health and Genetics/Laboratory Corporation of America, LabCorp).

NM_000277.3(PAH):c.463C>T (p.Arg155Cys)

Gene: PAH (phenylalanine hydroxylase; minus strand). Cytogenetic location: 12q23.2.
Variant type: single nucleotide variant.
Coding change: c.463C>T on transcript NM_000277.3 (MANE Select); coding-DNA position 463, C replaced by T.
Protein change: p.Arg155Cys; replaces arginine 155 with cysteine.
Molecular consequence: missense variant.
Genome position (GRCh38, 1-based): chr12:102,866,642, G>A on the plus strand (C>T on the coding strand, the complement: PAH is on the minus strand). VCF-style: chr12-102866642-G-A. GRCh37 (hg19) VCF-style: chr12-103260420-G-A.
Other names: c.463C>T, p.Arg155Cys (NM_001354304.2); c.463C>T (NM_000277.2); short protein forms R155C.
Identifiers: ClinVar variation 554011 (VCV000554011.21), dbSNP rs539743701, ClinGen allele CA6748917.
Genomic context (GRCh38, chr12:102,866,642, plus strand): 5'-CAAGGCAGACTTACTGGCGGTAGTTGTAGGCAATGTCAGCAAACTGCTTCCGTCTTGCAC[G>A]GTACACAGGATCTTTAAAACCCTAGGAGAAAAGAGACACCTGATTTTTCAAGGCTTCATA-3'
Protein context (NP_000268.1, residues 145-165): DHPGFKDPVY[Arg155Cys]ARRKQFADIA